The following is an entry in ClinVar:

NM_001009944.3(PKD1):c.10137C>T (p.Ser3379=)

Gene: PKD1 (polycystin 1, transient receptor potential channel interacting; minus strand). Cytogenetic location: 16p13.3.
Variant type: single nucleotide variant.
Coding change: c.10137C>T on transcript NM_001009944.3 (MANE Select); coding-DNA position 10137, C replaced by T.
Protein change: p.Ser3379=; no amino-acid change (serine 3379 retained).
Molecular consequence: synonymous variant.
Genome position (GRCh38, 1-based): chr16:2,097,898, G>A on the plus strand (C>T on the coding strand, the complement: PKD1 is on the minus strand). VCF-style: chr16-2097898-G-A. GRCh37 (hg19) VCF-style: chr16-2147899-G-A.
Other names: c.10137C>T, p.Ser3379= (NM_000296.4).
Identifiers: ClinVar variation 2645989 (VCV002645989.24), dbSNP rs1225868729, ClinGen allele CA493045464.

ClinVar aggregate classification (germline): Likely benign (1 of 4 stars; one submission).

gnomAD v4.1: 5 of 1,604,490 alleles (0.00031%); 1 homozygote.

Submission:

CeGaT Center for Human Genetics Tuebingen
Classification: Likely benign. Last evaluated: 2022-12-01. Review status: criteria provided, single submitter. Criteria: CeGaT Center For Human Genetics Tuebingen Variant Classification Criteria Version 2. Collection method: clinical testing. Allele origin: germline. Affected: yes. Observed: 1 variant allele.
Comment: PKD1: BP4, BP7